The following is an entry in ClinVar:

NM_001374353.1(GLI2):c.1120C>T (p.Arg374Cys)

Gene: GLI2 (GLI family zinc finger 2; plus strand). Cytogenetic location: 2q14.2.
Variant type: single nucleotide variant.
Coding change: c.1120C>T on transcript NM_001374353.1 (MANE Select); coding-DNA position 1120, C replaced by T.
Protein change: p.Arg374Cys; replaces arginine 374 with cysteine.
Molecular consequence: missense variant.
Genome position (GRCh38, 1-based): chr2:120,972,001, C>T. VCF-style: chr2-120972001-C-T. GRCh37 (hg19) VCF-style: chr2-121729577-C-T.
Other names: c.1120C>T, p.Arg374Cys (NM_001371271.1, NM_005270.5); c.745C>T, p.Arg249Cys (NM_001374354.1); short protein forms R374C, R249C.
Identifiers: ClinVar variation 198528 (VCV000198528.18), dbSNP rs200076785, ClinGen allele CA247219.

ClinVar aggregate classification (germline): Conflicting classifications of pathogenicity. Review status: criteria provided, conflicting classifications (1 of 4 stars). 5 submissions from 5 submitters: Uncertain significance (2); Likely benign (2). 1 of the submissions does not count toward it. Last evaluated 2024-05-28.

Conditions:
GLI2-related disorder. Also called: GLI2-related condition; GLI2-related disorders.
Inborn genetic diseases. Identifiers: MedGen C0950123, MeSH D030342.
Postaxial polydactyly-anterior pituitary anomalies-facial dysmorphism syndrome. Also called: Culler-Jones syndrome. Identifiers: Orphanet 420584, MedGen C4014479, MONDO:0014369, OMIM 615849.
Holoprosencephaly 9 (HPE9). Also called: HOLOPROSENCEPHALY WITH MICROPHTHALMIA AND FIRST BRANCHIAL ARCH ANOMALIES; PITUITARY ANOMALIES WITH HOLOPROSENCEPHALY-LIKE FEATURES. Identifiers: Orphanet 2162, MedGen C1835819, MONDO:0012563, OMIM 610829.

Allele frequency attached by ClinVar (database versions not stated): ExAC 0.00012; gnomAD exomes 0.00017 and 0.00003; gnomAD 0.00005 and 0.00006; TOPMed 0.00011.

Submissions (5):

Labcorp Genetics (formerly Invitae), Labcorp
Classification: Likely benign for Postaxial polydactyly-anterior pituitary anomalies-facial dysmorphism syndrome; Holoprosencephaly 9. Last evaluated: 2024-05-28. Review status: criteria provided, single submitter. Criteria: Invitae Variant Classification Sherloc (09022015). Collection method: clinical testing. Allele origin: germline.

Ambry Genetics
Classification: Likely benign for Inborn genetic diseases. Last evaluated: 2021-07-26. Review status: criteria provided, single submitter. Criteria: Ambry Variant Classification Scheme 2023. Collection method: clinical testing. Allele origin: germline.

Fulgent Genetics
Classification: Uncertain significance for Holoprosencephaly 9; Postaxial polydactyly-anterior pituitary anomalies-facial dysmorphism syndrome. Last evaluated: 2018-10-31. Review status: criteria provided, single submitter. Criteria: ACMG Guidelines, 2015. Collection method: clinical testing. Allele origin: unknown.

Eurofins Ntd Llc (ga)
Classification: Uncertain significance. Last evaluated: 2015-04-21. Review status: criteria provided, single submitter. Criteria: EGL Classification Definitions 2015. Collection method: clinical testing. Allele origin: germline. Observed: 1 variant allele, 1 heterozygote.

PreventionGenetics, part of Exact Sciences
Classification: Likely benign for GLI2-related condition. Last evaluated: 2024-05-17. Review status: no assertion criteria provided. Collection method: clinical testing. Allele origin: germline. Not counted in ClinVar's aggregate classification.
Comment: This variant is classified as likely benign based on ACMG/AMP sequence variant interpretation guidelines (Richards et al. 2015 PMID: 25741868, with internal and published modifications).